The following is an entry in ClinVar:

ClinVar aggregate classification (germline): Uncertain significance. Review status: criteria provided, multiple submitters, no conflicts (2 of 4 stars). 2 submissions from 2 submitters: Uncertain significance (2). Last evaluated 2025-05-30.

Conditions:
Hereditary cancer-predisposing syndrome. Also called: Neoplastic Syndromes, Hereditary; Tumor predisposition; Hereditary neoplastic syndrome; Hereditary Cancer Syndrome. Identifiers: Orphanet 140162, MedGen C0027672, MeSH D009386, MONDO:0015356.

Allele frequency attached by ClinVar (database versions not stated): gnomAD exomes below 0.00001 and 0.00001; TOPMed below 0.00001; ExAC 0.00001; gnomAD 0.00001.
gnomAD v4.1: 2 of 1,614,058 alleles (0.00012%); highest among the groups gnomAD compares: Admixed American, 0.0033%; no homozygotes.

Submissions (2):

Labcorp Genetics (formerly Invitae), Labcorp
Classification: Uncertain significance. Last evaluated: 2025-05-30. Review status: criteria provided, single submitter. Criteria: Invitae Variant Classification Sherloc (09022015). Collection method: clinical testing. Allele origin: germline.
Comment: This sequence change replaces methionine, which is neutral and non-polar, with isoleucine, which is neutral and non-polar, at codon 221 of the POLE protein (p.Met221Ile). The frequency data for this variant in the population databases is considered unreliable, as metrics indicate poor data quality at this position in the gnomAD database. This variant has not been reported in the literature in individuals affected with POLE-related conditions. ClinVar contains an entry for this variant (Variation ID: 643099). Invitae Evidence Modeling of protein sequence and biophysical properties (such as structural, functional, and spatial information, amino acid conservation, physicochemical variation, residue mobility, and thermodynamic stability) indicates that this missense variant is not expected to disrupt POLE protein function with a negative predictive value of 80%. In summary, the available evidence is currently insufficient to determine the role of this variant in disease. Therefore, it has been classified as a Variant of Uncertain Significance.

Ambry Genetics
Classification: Uncertain significance for Hereditary cancer-predisposing syndrome. Last evaluated: 2022-07-11. Review status: criteria provided, single submitter. Criteria: Ambry Variant Classification Scheme 2023. Collection method: clinical testing. Allele origin: germline.
Comment: The p.M221I variant (also known as c.663G>T), located in coding exon 7 of the POLE gene, results from a G to T substitution at nucleotide position 663. The methionine at codon 221 is replaced by isoleucine, an amino acid with highly similar properties. This amino acid position is conserved. In addition, the in silico prediction for this alteration is inconclusive. Since supporting evidence is limited at this time, the clinical significance of this alteration remains unclear.

NM_006231.4(POLE):c.663G>T (p.Met221Ile)

Gene: POLE (DNA polymerase epsilon, catalytic subunit; minus strand). Cytogenetic location: 12q24.33.
Variant type: single nucleotide variant.
Coding change: c.663G>T on transcript NM_006231.4 (MANE Select); coding-DNA position 663, G replaced by T.
Protein change: p.Met221Ile; replaces methionine 221 with isoleucine.
Molecular consequence: missense variant.
Genome position (GRCh38, 1-based): chr12:132,677,635, C>A on the plus strand (G>T on the coding strand, the complement: POLE is on the minus strand). VCF-style: chr12-132677635-C-A. GRCh37 (hg19) VCF-style: chr12-133254221-C-A.
Other names: short protein forms M221I.
Identifiers: ClinVar variation 643099 (VCV000643099.11), dbSNP rs750387204, ClinGen allele CA6894246.